The following is an entry in ClinVar:

NM_001162501.2(TNRC6B):c.3003C>T (p.Asp1001=)

Gene: TNRC6B (trinucleotide repeat containing adaptor 6B; plus strand). Cytogenetic location: 22q13.1.
Variant type: single nucleotide variant.
Coding change: c.3003C>T on transcript NM_001162501.2 (MANE Select); coding-DNA position 3003, C replaced by T.
Protein change: p.Asp1001=; no amino-acid change (aspartic acid 1001 retained).
Molecular consequence: synonymous variant.
Genome position (GRCh38, 1-based): chr22:40,273,462, C>T. VCF-style: chr22-40273462-C-T. GRCh37 (hg19) VCF-style: chr22-40669466-C-T.
Other names: c.762C>T, p.Asp254= (NM_001024843.2); c.2844C>T, p.Asp948= (NM_015088.3).
Identifiers: ClinVar variation 3044598 (VCV003044598.2), dbSNP rs370055398, ClinGen allele CA10246953.
Genomic context (GRCh38, chr22:40,273,462, plus strand): 5'-GTTAATTCATTCTTTCCTTAAAGATTCCAAATCTATGCAAGACGGCTGGGGGGAGAGTGA[C>T]GGGCCAGTCACAGGAGCTCGCCATCCCAGCTGGGAAGAGGAGGAGGATGGAGGAGTCTGG-3'
Protein context (NP_001155973.1, residues 991-1011): KSMQDGWGES[Asp1001=]GPVTGARHPS

ClinVar aggregate classification (germline): Likely benign (0 of 4 stars; one submission).

Conditions:
TNRC6B-related disorder. Also called: TNRC6B-related condition.

Allele frequency attached by ClinVar (database versions not stated): gnomAD exomes 0.00001; TOPMed 0.00002; gnomAD 0.00003; ExAC 0.00005; ESP Exome Variant Server 0.00008.
gnomAD v4.1: 22 of 1,610,010 alleles (0.0014%); highest among the groups gnomAD compares: Middle Eastern, 0.016%; no homozygotes.

Submission:

PreventionGenetics, part of Exact Sciences
Classification: Likely benign for TNRC6B-related condition. Last evaluated: 2019-05-31. Review status: no assertion criteria provided. Collection method: clinical testing. Allele origin: germline.
Comment: This variant is classified as likely benign based on ACMG/AMP sequence variant interpretation guidelines (Richards et al. 2015 PMID: 25741868, with internal and published modifications).